The following is an entry in ClinVar:

NM_000179.2(MSH6):c.3953_3954ins32 (p.?)

Gene: MSH6 (mutS homolog 6; plus strand). Cytogenetic location: 2p16.3.
Variant type: Insertion.
Coding change: c.3953_3954ins32 on transcript NM_000179.2; coding-DNA positions 3953 to 3954, an insertion.
Protein change: p.?.
Identifiers: ClinVar variation 89487 (VCV000089487.2).

ClinVar aggregate classification (germline): Pathogenic (3 of 4 stars; one submission).

Conditions:
Lynch syndrome. Identifiers: Orphanet 144, MedGen C4552100, MONDO:0005835. Disease mechanism: loss of function.

Submission:

International Society for Gastrointestinal Hereditary Tumours (InSiGHT)
Classification: Pathogenic for Lynch Syndrome. Last evaluated: 2013-09-05. Review status: reviewed by expert panel. Criteria: Guidelines v1.9. Collection method: research. Allele origin: germline.
Comment: Coding sequence variation resulting in a stop codon

Classified with v1.9 guidelines